The following is an entry in ClinVar:

ClinVar aggregate classification (germline): Conflicting classifications of pathogenicity. Review status: criteria provided, conflicting classifications (1 of 4 stars). 22 submissions from 18 submitters: Uncertain significance (1); Benign (11); Likely benign (6). 4 of the submissions do not count toward it. Last evaluated 2026-02-03.

Conditions:
Cardiovascular phenotype. Identifiers: MedGen CN230736.
Autosomal recessive limb-girdle muscular dystrophy type 2J (LGMDR10). Also called: Limb-girdle muscular dystrophy, type 2J; MUSCULAR DYSTROPHY, LIMB-GIRDLE, AUTOSOMAL RECESSIVE 10. Identifiers: Orphanet 140922, MedGen C1837342, MONDO:0012127, OMIM 608807.
Dilated cardiomyopathy 1G (CMD1G). Identifiers: Orphanet 154, MedGen C1858763, MONDO:0011400, OMIM 604145.
Cardiomyopathy (CMYO). Also called: Cardiomyopathies. Identifiers: Orphanet 167848, MedGen C0878544, MONDO:0004994, HP:0001638. Inheritance: Various modes of inheritance.
Early-onset myopathy with fatal cardiomyopathy (CMYO5). Also called: Salih Myopathy; CONGENITAL MYOPATHY 5 WITH CARDIOMYOPATHY. Identifiers: Orphanet 289377, MedGen C2673677, MONDO:0012714, OMIM 611705. Disease mechanism: loss of function.
Myopathy, myofibrillar, 9, with early respiratory failure (MFM9). Also called: Hereditary myopathy with early respiratory failure; EDSTROM MYOPATHY; MYOPATHY, PROXIMAL, WITH EARLY RESPIRATORY MUSCLE INVOLVEMENT; Myopathy, distal, with early respiratory failure, autosomal dominant. Identifiers: Orphanet 178464, Orphanet 34521, MedGen C1863599, MONDO:0011362, OMIM 603689.
Tibial muscular dystrophy (TMD). Also called: UDD MYOPATHY; Udd Distal Myopathy – Tibial Muscular Dystrophy; Tibial muscular dystrophy, tardive. Identifiers: Orphanet 609, MedGen C1838244, MONDO:0010870, OMIM 600334.
Primary dilated cardiomyopathy (DCM). Also called: Dilated Cardiomyopathy. Identifiers: Orphanet 217604, MedGen C0007193, MeSH D002311, MONDO:0005021, HP:0001644. Inheritance: Various modes of inheritance.

Allele frequency attached by ClinVar (database versions not stated): gnomAD exomes 0.00024 and 0.00063; ExAC 0.00084; gnomAD 0.00249 and 0.00262; ESP Exome Variant Server 0.00255; TOPMed 0.00271; 1000 Genomes Project 0.00280; 1000 Genomes Project 30x 0.00281.
gnomAD v4.1: 740 of 1,613,776 alleles (0.046%); highest among the groups gnomAD compares: African/African-American, 0.92%; 3 homozygotes.

Submissions (22):

Labcorp Genetics (formerly Invitae), Labcorp
Classification: Benign for Dilated cardiomyopathy 1G; Autosomal recessive limb-girdle muscular dystrophy type 2J. Last evaluated: 2026-02-03. Review status: criteria provided, single submitter. Criteria: Invitae Variant Classification Sherloc (09022015). Collection method: clinical testing. Allele origin: germline.

Molecular Diagnostic Laboratory for Inherited Cardiovascular Disease, Montreal Heart Institute
Classification: Benign. Last evaluated: 2025-04-09. Review status: criteria provided, single submitter. Criteria: ACMG Guidelines, 2015. Collection method: clinical testing. Allele origin: germline. Affected: no.

ARUP Laboratories, Molecular Genetics and Genomics, ARUP Laboratories
Classification: Benign. Last evaluated: 2025-03-21. Review status: criteria provided, single submitter. Criteria: ARUP Molecular Germline Variant Investigation Process 2024. Collection method: clinical testing. Allele origin: germline.

Blueprint Genetics
Classification: Likely benign. Last evaluated: 2024-11-13. Review status: criteria provided, single submitter. Criteria: ACMG Guidelines, 2015. Collection method: clinical testing. Allele origin: germline.

GeneDx
Classification: Likely benign. Last evaluated: 2021-04-27. Review status: criteria provided, single submitter. Criteria: GeneDx Variant Classification Process June 2021. Collection method: clinical testing. Allele origin: germline. Affected: yes.
Comment: This variant is associated with the following publications: (PMID: 23861362)

Women's Health and Genetics/Laboratory Corporation of America, LabCorp
Classification: Benign. Last evaluated: 2020-08-17. Review status: criteria provided, single submitter. Criteria: LabCorp Variant Classification Summary - May 2015. Collection method: clinical testing. Allele origin: germline.
Comment: Variant summary: TTN c.84833T>C (p.Val28278Ala) results in a non-conservative amino acid change located in the A-band of the encoded protein sequence. Three of five in-silico tools predict a benign effect of the variant on protein function. The variant allele was found at a frequency of 0.00063 in 248862 control chromosomes in the gnomAD database, including 1 homozygotes. The observed variant frequency is approximately 2 fold of the estimated maximal expected allele frequency for a pathogenic variant in TTN causing Dilated Cardiomyopathy phenotype (0.00039), strongly suggesting that the variant is benign. To our knowledge, no occurrence of c.84833T>C in individuals affected with Dilated Cardiomyopathy and no experimental evidence demonstrating its impact on protein function have been reported. Co-occurrence with other a pathogenic variant has been reported (TTN c.62134C>T, p.Gln20712X), providing supporting evidence for a benign role. Seven clinical diagnostic laboratories have submitted clinical-significance assessments for this variant to ClinVar after 2014 without evidence for independent evaluation and all laboratories classified this variant as benign/likely benign. Based on the evidence outlined above, the variant was classified as benign.

Ambry Genetics
Classification: Benign for Cardiovascular phenotype. Last evaluated: 2018-04-05. Review status: criteria provided, single submitter. Criteria: Ambry Variant Classification Scheme 2023. Collection method: clinical testing. Allele origin: germline.

Center for Advanced Laboratory Medicine, UC San Diego Health, University of California San Diego
Classification: Benign for Dilated cardiomyopathy. Last evaluated: 2018-02-07. Review status: criteria provided, single submitter. Criteria: ACMG Guidelines, 2015. Collection method: clinical testing. Allele origin: germline. Affected: yes. Observed: 2 variant alleles.

Illumina Laboratory Services, Illumina
Classification: Likely benign for Dilated cardiomyopathy 1G. Last evaluated: 2018-01-13. Review status: criteria provided, single submitter. Criteria: ICSL Variant Classification Criteria 13 December 2019. Collection method: clinical testing. Allele origin: germline.
Comment: This variant was observed in the ICSL laboratory as part of a predisposition screen in an ostensibly healthy population. It had not been previously curated by ICSL or reported in the Human Gene Mutation Database (HGMD: prior to June 1st, 2018), and was therefore a candidate for classification through an automated scoring system. Utilizing variant allele frequency, disease prevalence and penetrance estimates, and inheritance mode, an automated score was calculated to assess if this variant is too frequent to cause the disease. Based on the score and internal cut-off values, a variant classified as likely benign is not then subjected to further curation. The score for this variant resulted in a classification of likely benign for this disease.

Illumina Laboratory Services, Illumina
Classification: Benign for Tibial muscular dystrophy. Last evaluated: 2018-01-13. Review status: criteria provided, single submitter. Criteria: ICSL Variant Classification Criteria 13 December 2019. Collection method: clinical testing. Allele origin: germline.
Comment: This variant was observed in the ICSL laboratory as part of a predisposition screen in an ostensibly healthy population. It had not been previously curated by ICSL or reported in the Human Gene Mutation Database (HGMD: prior to June 1st, 2018), and was therefore a candidate for classification through an automated scoring system. Utilizing variant allele frequency, disease prevalence and penetrance estimates, and inheritance mode, an automated score was calculated to assess if this variant is too frequent to cause the disease. Based on the score and internal cut-off values, a variant classified as benign is not then subjected to further curation. The score for this variant resulted in a classification of benign for this disease.

Illumina Laboratory Services, Illumina
Classification: Likely benign for Early-onset myopathy with fatal cardiomyopathy. Last evaluated: 2018-01-13. Review status: criteria provided, single submitter. Criteria: ICSL Variant Classification Criteria 13 December 2019. Collection method: clinical testing. Allele origin: germline.
Comment: the same text as in the submission from Illumina Laboratory Services, Illumina above.

Illumina Laboratory Services, Illumina
Classification: Uncertain significance for Autosomal recessive limb-girdle muscular dystrophy type 2J. Last evaluated: 2018-01-13. Review status: criteria provided, single submitter. Criteria: ICSL Variant Classification Criteria 13 December 2019. Collection method: clinical testing. Allele origin: germline.

Illumina Laboratory Services, Illumina
Classification: Benign for Myopathy, myofibrillar, 9, with early respiratory failure. Last evaluated: 2018-01-13. Review status: criteria provided, single submitter. Criteria: ICSL Variant Classification Criteria 13 December 2019. Collection method: clinical testing. Allele origin: germline.
Comment: the same text as in the submission from Illumina Laboratory Services, Illumina above.

Athena Diagnostics
Classification: Benign. Last evaluated: 2017-11-01. Review status: criteria provided, single submitter. Criteria: Athena Diagnostics Criteria. Collection method: clinical testing. Allele origin: germline.

CHEO Genetics Diagnostic Laboratory, Children's Hospital of Eastern Ontario
Classification: Likely benign for Cardiomyopathy. Last evaluated: 2017-08-03. Review status: criteria provided, single submitter. Criteria: ACMG Guidelines, 2015. Collection method: clinical testing. Allele origin: germline. Study: Canadian Open Genetics Repository.

Eurofins Ntd Llc (ga)
Classification: Benign. Last evaluated: 2015-08-17. Review status: criteria provided, single submitter. Criteria: EGL Classification Definitions 2015. Collection method: clinical testing. Allele origin: germline. Observed: 1 variant allele, 1 heterozygote.

Biesecker Lab/Clinical Genomics Section, National Institutes of Health
Classification: Benign. Last evaluated: 2013-06-24. Review status: criteria provided, single submitter. Criteria: Ng et al. (Circ Cardiovasc Genet. 2013). Collection method: research. Allele origin: unknown. Observed: 1 variant allele. Study: ClinSeq.
Comment: The study set was not selected for affection status in relation to any cancer. Pathogenicity categories were based on literature curation. See Pubmed ID:23861362 for details.

Medical sequencing

Laboratory for Molecular Medicine, Mass General Brigham Personalized Medicine
Classification: Likely benign. Last evaluated: 2012-01-09. Review status: criteria provided, single submitter. Criteria: LMM Criteria. Collection method: clinical testing. Allele origin: germline. Observed: 1 variant allele.
Comment: Val28278Ala in exon 288 of TTN: This variant is not expected to have clinical si gnificance because it is not located within the splice consensus sequence and ha s been identified in 0.3% (6/2000) of racially unspecified chromosomes (dbSNP rs 77968867) and in 0.8% (27/3168) of African American chromosomes (NHLBI Exome Seq uencing Project) from two broad, though clinic ally unspecified populations. Val28278Ala in exon 288 of TTN (rs7796886, NHLBI Exome Seq Project; 0.8%, 27/3168)

Clinical Genetics DNA and cytogenetics Diagnostics Lab, Erasmus MC, Erasmus Medical Center
Classification: Likely benign. Review status: no assertion criteria provided. Collection method: clinical testing. Allele origin: germline. Affected: yes. Study: VKGL Data-share Consensus. Not counted in ClinVar's aggregate classification.

Clinical Genetics, Academic Medical Center
Classification: Benign. Review status: no assertion criteria provided. Collection method: clinical testing. Allele origin: germline. Affected: yes. Study: VKGL Data-share Consensus. Not counted in ClinVar's aggregate classification.

Diagnostic Laboratory, Department of Genetics, University Medical Center Groningen
Classification: Benign. Review status: no assertion criteria provided. Collection method: clinical testing. Allele origin: germline. Affected: yes. Study: VKGL Data-share Consensus. Not counted in ClinVar's aggregate classification.

Genome Diagnostics Laboratory, University Medical Center Utrecht
Classification: Likely benign. Review status: no assertion criteria provided. Collection method: clinical testing. Allele origin: germline. Affected: yes. Study: VKGL Data-share Consensus. Not counted in ClinVar's aggregate classification.

NM_001267550.2(TTN):c.92537T>C (p.Val30846Ala)

Genes: TTN (titin; minus strand), TTN-AS1 (TTN antisense RNA 1; plus strand). Cytogenetic location: 2q31.2.
Variant type: single nucleotide variant.
Coding change: c.92537T>C on transcript NM_001267550.2 (MANE Select); coding-DNA position 92537, T replaced by C.
Protein change: p.Val30846Ala; replaces valine 30846 with alanine.
Molecular consequence: missense variant.
Genome position (GRCh38, 1-based): chr2:178,549,089, A>G on the plus strand (T>C on the coding strand, the complement: TTN is on the minus strand). VCF-style: chr2-178549089-A-G. GRCh37 (hg19) VCF-style: chr2-179413816-A-G.
Other names: p.V29205A:GTG>GCG; c.87614T>C, p.Val29205Ala (NM_001256850.1); c.84833T>C, p.Val28278Ala (NM_133378.4); c.65342T>C, p.Val21781Ala (NM_003319.4); c.65717T>C, p.Val21906Ala (NM_133432.3); c.65918T>C, p.Val21973Ala (NM_133437.4); short protein forms V30846A, V28278A, V29205A, V21781A, V21906A, V21973A.
Identifiers: ClinVar variation 47525 (VCV000047525.39), dbSNP rs77968867, ClinGen allele CA141265.